The following is an entry in ClinVar:

ClinVar aggregate classification (germline): Uncertain significance (1 of 4 stars; one submission).

Allele frequency attached by ClinVar (database versions not stated): ExAC 0.00001; gnomAD 0.00003; gnomAD exomes 0.00004; TOPMed 0.00005.

Submission:

Labcorp Genetics (formerly Invitae), Labcorp
Classification: Uncertain significance. Last evaluated: 2025-11-04. Review status: criteria provided, single submitter. Criteria: Invitae Variant Classification Sherloc (09022015). Collection method: clinical testing. Allele origin: germline.
Comment: This sequence change replaces arginine, which is basic and polar, with cysteine, which is neutral and slightly polar, at codon 279 of the TAOK2 protein (p.Arg279Cys). This variant is present in population databases (rs754043273, gnomAD 0.008%). This variant has not been reported in the literature in individuals affected with TAOK2-related conditions. ClinVar contains an entry for this variant (Variation ID: 2181815). An algorithm developed to predict the effect of missense changes on protein structure and function (PolyPhen-2) suggests that this variant is likely to be tolerated. In summary, the available evidence is currently insufficient to determine the role of this variant in disease. Therefore, it has been classified as a Variant of Uncertain Significance.

NM_016151.4(TAOK2):c.835C>T (p.Arg279Cys)

Gene: TAOK2 (TAO kinase 2; plus strand). Cytogenetic location: 16p11.2.
Variant type: single nucleotide variant.
Coding change: c.835C>T on transcript NM_016151.4 (MANE Select); coding-DNA position 835, C replaced by T.
Protein change: p.Arg279Cys; replaces arginine 279 with cysteine.
Molecular consequence: missense variant.
Genome position (GRCh38, 1-based): chr16:29,982,737, C>T. VCF-style: chr16-29982737-C-T. GRCh37 (hg19) VCF-style: chr16-29994058-C-T.
Other names: c.835C>T, p.Arg279Cys (NM_001252043.2, NM_004783.4); short protein forms R279C.
Identifiers: ClinVar variation 2181815 (VCV002181815.4), dbSNP rs754043273, ClinGen allele CA7997976.
Genomic context (GRCh38, chr16:29,982,737, plus strand): 5'-TGTGGGTTGTGGGGGGAAGGGGAGTTGGCAGCAGACCTCAGTGCCCTCTTCCCCCAGCAC[C>T]GCTTTGTGCTCCGGGAGCGGCCACCCACAGTCATCATGGACCTGATCCAGAGGACCAAGG-3'
Protein context (NP_057235.2, residues 269-289): RPTSEVLLKH[Arg279Cys]FVLRERPPTV